The following is an entry in ClinVar:

ClinVar aggregate classification (germline): Uncertain significance (1 of 4 stars; one submission).

Allele frequency attached by ClinVar (database versions not stated): gnomAD exomes below 0.00001.

Submission:

Labcorp Genetics (formerly Invitae), Labcorp
Classification: Uncertain significance. Last evaluated: 2022-03-18. Review status: criteria provided, single submitter. Criteria: Invitae Variant Classification Sherloc (09022015). Collection method: clinical testing. Allele origin: germline.
Comment: This sequence change replaces lysine, which is basic and polar, with arginine, which is basic and polar, at codon 442 of the HPS3 protein (p.Lys442Arg). This variant is not present in population databases (gnomAD no frequency). This variant has not been reported in the literature in individuals affected with HPS3-related conditions. Algorithms developed to predict the effect of missense changes on protein structure and function output the following: SIFT: "Tolerated"; PolyPhen-2: "Benign"; Align-GVGD: "Class C0". The arginine amino acid residue is found in multiple mammalian species, which suggests that this missense change does not adversely affect protein function. Algorithms developed to predict the effect of sequence changes on RNA splicing suggest that this variant may create or strengthen a splice site. In summary, the available evidence is currently insufficient to determine the role of this variant in disease. Therefore, it has been classified as a Variant of Uncertain Significance.

NM_032383.5(HPS3):c.1325A>G (p.Lys442Arg)

Gene: HPS3 (HPS3 biogenesis of lysosomal organelles complex 2 subunit 1; plus strand). Cytogenetic location: 3q24.
Variant type: single nucleotide variant.
Coding change: c.1325A>G on transcript NM_032383.5 (MANE Select); coding-DNA position 1325, A replaced by G.
Protein change: p.Lys442Arg; replaces lysine 442 with arginine.
Molecular consequence: missense variant.
Genome position (GRCh38, 1-based): chr3:149,153,573, A>G. VCF-style: chr3-149153573-A-G. GRCh37 (hg19) VCF-style: chr3-148871360-A-G.
Other names: c.830A>G, p.Lys277Arg (NM_001308258.2); short protein forms K277R, K442R.
Identifiers: ClinVar variation 2167446 (VCV002167446.1), dbSNP rs1723265454, ClinGen allele CA354919187.
Genomic context (GRCh38, chr3:149,153,573, plus strand): 5'-TGGATGTCTGTGCTTTAAGAATACAGCTTTTCATAGGCTTGAAAGCCATCTGTCACTTTA[A>G]AAACCACATCATACTTTTGACTAAAGCAGAACCTGAAGCCATTCCAGAGAGAAGACAGTC-3'
Protein context (NP_115759.2, residues 432-452): FIGLKAICHF[Lys442Arg]NHIILLTKAE